The following is an entry in ClinVar:

NM_020964.3(EPG5):c.6845T>C (p.Ile2282Thr)

Gene: EPG5 (ectopic P-granules 5 autophagy tethering factor; minus strand). Cytogenetic location: 18q12.3.
Variant type: single nucleotide variant.
Coding change: c.6845T>C on transcript NM_020964.3 (MANE Select); coding-DNA position 6845, T replaced by C.
Protein change: p.Ile2282Thr; replaces isoleucine 2282 with threonine.
Molecular consequence: missense variant.
Genome position (GRCh38, 1-based): chr18:45,860,268, A>G on the plus strand (T>C on the coding strand, the complement: EPG5 is on the minus strand). VCF-style: chr18-45860268-A-G. GRCh37 (hg19) VCF-style: chr18-43440233-A-G.
Other names: c.6845T>C, p.Ile2282Thr (LRG_1234t1); short protein forms I2282T.
Identifiers: ClinVar variation 569489 (VCV000569489.8), dbSNP rs201213000, ClinGen allele CA8948131.

ClinVar aggregate classification (germline): Uncertain significance (1 of 4 stars; one submission).

Conditions:
Vici syndrome (VICIS). Identifiers: Orphanet 1493, MedGen C1855772, MONDO:0009452, OMIM 242840.

Allele frequency attached by ClinVar (database versions not stated): TOPMed 0.00008; gnomAD exomes 0.00015 and 0.00029; ESP Exome Variant Server 0.00016; gnomAD 0.00019; ExAC 0.00039.
gnomAD v4.1: 242 of 1,614,120 alleles (0.015%); highest among the groups gnomAD compares: Non-Finnish European, 0.016%; no homozygotes.

Submission:

Labcorp Genetics (formerly Invitae), Labcorp
Classification: Uncertain significance for Vici syndrome. Last evaluated: 2022-10-05. Review status: criteria provided, single submitter. Criteria: Invitae Variant Classification Sherloc (09022015). Collection method: clinical testing. Allele origin: germline.
Comment: This sequence change replaces isoleucine, which is neutral and non-polar, with threonine, which is neutral and polar, at codon 2282 of the EPG5 protein (p.Ile2282Thr). This variant is present in population databases (rs201213000, gnomAD 0.08%). This variant has not been reported in the literature in individuals affected with EPG5-related conditions. ClinVar contains an entry for this variant (Variation ID: 569489). Advanced modeling of protein sequence and biophysical properties (such as structural, functional, and spatial information, amino acid conservation, physicochemical variation, residue mobility, and thermodynamic stability) performed at Invitae indicates that this missense variant is not expected to disrupt EPG5 protein function. In summary, the available evidence is currently insufficient to determine the role of this variant in disease. Therefore, it has been classified as a Variant of Uncertain Significance.